The following is an entry in ClinVar:

ClinVar aggregate classification (germline): Uncertain significance (1 of 4 stars; one submission).

Conditions:
Familial sleep-related hypermotor epilepsy. Also called: Autosomal Dominant Sleep-Related Hypermotor (Hyperkinetic) Epilepsy. Identifiers: Orphanet 98784, MedGen C3696898, MONDO:0000030.

Submission:

Labcorp Genetics (formerly Invitae), Labcorp
Classification: Uncertain significance. Last evaluated: 2022-09-28. Review status: criteria provided, single submitter. Criteria: Invitae Variant Classification Sherloc (09022015). Collection method: clinical testing. Allele origin: germline.
Comment: Advanced modeling of protein sequence and biophysical properties (such as structural, functional, and spatial information, amino acid conservation, physicochemical variation, residue mobility, and thermodynamic stability) has been performed at Invitae for this missense variant, however the output from this modeling did not meet the statistical confidence thresholds required to predict the impact of this variant on CHRNA4 protein function. In summary, the available evidence is currently insufficient to determine the role of this variant in disease. Therefore, it has been classified as a Variant of Uncertain Significance. This variant has not been reported in the literature in individuals affected with CHRNA4-related conditions. This variant is not present in population databases (gnomAD no frequency). This sequence change replaces tyrosine, which is neutral and polar, with cysteine, which is neutral and slightly polar, at codon 235 of the CHRNA4 protein (p.Tyr235Cys).

NM_000744.7(CHRNA4):c.704A>G (p.Tyr235Cys)

Gene: CHRNA4 (cholinergic receptor nicotinic alpha 4 subunit; minus strand). Cytogenetic location: 20q13.33.
Variant type: single nucleotide variant.
Coding change: c.704A>G on transcript NM_000744.7 (MANE Select); coding-DNA position 704, A replaced by G.
Protein change: p.Tyr235Cys; replaces tyrosine 235 with cysteine.
Molecular consequence: missense variant. On other transcripts: non-coding transcript variant (1).
Genome position (GRCh38, 1-based): chr20:63,350,707, T>C on the plus strand (A>G on the coding strand, the complement: CHRNA4 is on the minus strand). VCF-style: chr20-63350707-T-C. GRCh37 (hg19) VCF-style: chr20-61982059-T-C.
Other names: c.176A>G, p.Tyr59Cys (NM_001256573.2); short protein forms Y235C, Y59C.
Identifiers: ClinVar variation 1720601 (VCV001720601.5), dbSNP rs2516542304, ClinGen allele CA409637074.
Genomic context (GRCh38, chr20:63,350,707, plus strand): 5'-AGGCAGGGGATGATGAGGTTGATGGTGTAGAAGAGCGGCAGCCGCCGGATGACGAAGGCA[T>C]AGGTGATGTCCGGGTAGATCTCGGCACAGCACTCGTACTTCCTGGTGTTGTAGGTGCCCA-3'
Protein context (NP_000735.1, residues 225-245): CCAEIYPDIT[Tyr235Cys]AFVIRRLPLF